The following is an entry in ClinVar:

NM_052854.4(CREB3L1):c.753+1G>A

Gene: CREB3L1 (cAMP responsive element binding protein 3 like 1; plus strand). Cytogenetic location: 11p11.2.
Variant type: single nucleotide variant.
Coding change: c.753+1G>A on transcript NM_052854.4 (MANE Select); the canonical splice donor site of the intron after coding-DNA position 753, G replaced by A.
Molecular consequence: splice donor variant.
Genome position (GRCh38, 1-based): chr11:46,311,190, G>A. VCF-style: chr11-46311190-G-A. GRCh37 (hg19) VCF-style: chr11-46332741-G-A.
Identifiers: ClinVar variation 1324170 (VCV001324170.9), dbSNP rs2136354346, ClinGen allele CA380220358.

ClinVar aggregate classification (germline): Likely pathogenic (1 of 4 stars; one submission).

Allele frequency attached by ClinVar (database versions not stated): gnomAD exomes below 0.00001.
gnomAD v4.1: 5 of 1,573,712 alleles (0.00032%); highest among the groups gnomAD compares: Non-Finnish European, 0.00043%; no homozygotes.

Submission:

Labcorp Genetics (formerly Invitae), Labcorp
Classification: Likely pathogenic. Last evaluated: 2021-04-01. Review status: criteria provided, single submitter. Criteria: Invitae Variant Classification Sherloc (09022015). Collection method: clinical testing. Allele origin: germline.
Comment: This sequence change affects a donor splice site in intron 5 of the CREB3L1 gene. It is expected to disrupt RNA splicing. Variants that disrupt the donor or acceptor splice site typically lead to a loss of protein function (PMID: 16199547), and loss-of-function variants in CREB3L1 are known to be pathogenic (PMID: 19767743, 29936144, 31207160). In summary, the currently available evidence indicates that the variant is pathogenic, but additional data are needed to prove that conclusively. Therefore, this variant has been classified as Likely Pathogenic. Algorithms developed to predict the effect of sequence changes on RNA splicing suggest that this variant may disrupt the consensus splice site, but this prediction has not been confirmed by published transcriptional studies. This variant has not been reported in the literature in individuals with CREB3L1-related conditions. This variant is not present in population databases (ExAC no frequency).

Literature cited by the submitters: PubMed 16199547; PubMed 19767743; PubMed 29936144; PubMed 31207160.